The following is an entry in ClinVar:

ClinVar aggregate classification (germline): Likely benign (1 of 4 stars; one submission).

Conditions:
Marfan syndrome (MFS). Also called: MARFAN SYNDROME, TYPE I; Marfan syndrome type 1; Marfan's syndrome; FBN1-Related Marfan Syndrome; Marfan syndrome, classic. Identifiers: Orphanet 284963, Orphanet 558, MedGen C0024796, MONDO:0007947, OMIM 154700.

Submission:

All of Us Research Program, National Institutes of Health
Classification: Likely benign for Marfan syndrome. Last evaluated: 2024-05-14. Review status: criteria provided, single submitter. Criteria: ACMG Guidelines, 2015. Collection method: clinical testing. Allele origin: germline. Inheritance: Autosomal dominant inheritance. Observed: 1 variant allele, 1 heterozygote.
Comment: This study involves interpretation of variants in research participants for the purpose of population health screening. Participant phenotype was not available at the time of variant classification. Additional details can be found in publication PMID: 35346344, PMCID: PMC8962531

NM_000138.5(FBN1):c.2040A>G (p.Lys680=)

Gene: FBN1 (fibrillin 1; minus strand). Cytogenetic location: 15q21.1.
Variant type: single nucleotide variant.
Coding change: c.2040A>G on transcript NM_000138.5 (MANE Select); coding-DNA position 2040, A replaced by G.
Protein change: p.Lys680=; no amino-acid change (lysine 680 retained).
Molecular consequence: synonymous variant.
Genome position (GRCh38, 1-based): chr15:48,503,860, T>C on the plus strand (A>G on the coding strand, the complement: FBN1 is on the minus strand). VCF-style: chr15-48503860-T-C. GRCh37 (hg19) VCF-style: chr15-48796057-T-C.
Other names: c.2040A>G, p.Lys680= (NM_001406716.1).
Identifiers: ClinVar variation 3386843 (VCV003386843.1).